The following is an entry in ClinVar:

ClinVar aggregate classification (germline): Likely pathogenic (1 of 4 stars; one submission).

Conditions:
WDR35-related disorder. Also called: WDR35-related condition; WDR35-related disorders. Identifiers: MedGen CN239419.

Allele frequency attached by ClinVar (database versions not stated): gnomAD exomes 0.00001.
gnomAD v4.1: 7 of 1,613,904 alleles (0.00043%); highest among the groups gnomAD compares: Non-Finnish European, 0.00059%; no homozygotes.

Submission:

PreventionGenetics, part of Exact Sciences
Classification: Likely pathogenic for WDR35-related condition. Last evaluated: 2023-03-28. Review status: criteria provided, single submitter. Criteria: ACMG Guidelines, 2015. Collection method: clinical testing. Allele origin: germline.
Comment: The WDR35 c.1744C>T variant is predicted to result in premature protein termination (p.Gln582*). To our knowledge, this variant has not been reported in the literature or in a large population database, indicating this variant is rare. Nonsense variants in WDR35 are expected to be pathogenic, and therefore we interpret c.1744C>T (p.Gln582*) as likely pathogenic.

NM_020779.4(WDR35):c.1711C>T (p.Gln571Ter)

Gene: WDR35 (WD repeat domain 35; minus strand). Cytogenetic location: 2p24.1.
Variant type: single nucleotide variant.
Coding change: c.1711C>T on transcript NM_020779.4 (MANE Select); coding-DNA position 1711, C replaced by T.
Protein change: p.Gln571Ter; replaces glutamine 571 with a stop codon.
Molecular consequence: nonsense.
Genome position (GRCh38, 1-based): chr2:19,945,920, G>A on the plus strand (C>T on the coding strand, the complement: WDR35 is on the minus strand). VCF-style: chr2-19945920-G-A. GRCh37 (hg19) VCF-style: chr2-20145681-G-A.
Other names: c.1744C>T, p.Gln582Ter (NM_001006657.2); short protein forms Q571*, Q582*.
Identifiers: ClinVar variation 2633789 (VCV002633789.1), dbSNP rs2527880529, ClinGen allele CA345944737.